The following is an entry in ClinVar:

ClinVar aggregate classification (germline): Uncertain significance (1 of 4 stars; one submission).

Conditions:
Immunodeficiency due to CD25 deficiency. Also called: CD25 DEFICIENCY; IMMUNODEFICIENCY 41 WITH LYMPHOPROLIFERATION AND AUTOIMMUNITY; IL2RA DEFICIENCY. Identifiers: Orphanet 169100, MedGen C1853392, MONDO:0011664, OMIM 606367.

gnomAD v4.1: 2 of 1,614,238 alleles (0.00012%); highest among the groups gnomAD compares: Non-Finnish European, 0.00017%; no homozygotes.

Submission:

Labcorp Genetics (formerly Invitae), Labcorp
Classification: Uncertain significance for Immunodeficiency due to CD25 deficiency. Last evaluated: 2022-02-04. Review status: criteria provided, single submitter. Criteria: Invitae Variant Classification Sherloc (09022015). Collection method: clinical testing. Allele origin: germline.
Comment: This sequence change replaces tyrosine, which is neutral and polar, with histidine, which is basic and polar, at codon 64 of the IL2RA protein (p.Tyr64His). This variant is not present in population databases (gnomAD no frequency). This variant has not been reported in the literature in individuals affected with IL2RA-related conditions. Algorithms developed to predict the effect of missense changes on protein structure and function are either unavailable or do not agree on the potential impact of this missense change (SIFT: "Deleterious"; PolyPhen-2: "Probably Damaging"; Align-GVGD: "Class C0"). In summary, the available evidence is currently insufficient to determine the role of this variant in disease. Therefore, it has been classified as a Variant of Uncertain Significance.

NM_000417.3(IL2RA):c.190T>C (p.Tyr64His)

Gene: IL2RA (interleukin 2 receptor subunit alpha; minus strand). Cytogenetic location: 10p15.1.
Variant type: single nucleotide variant.
Coding change: c.190T>C on transcript NM_000417.3 (MANE Select); coding-DNA position 190, T replaced by C.
Protein change: p.Tyr64His; replaces tyrosine 64 with histidine.
Molecular consequence: missense variant.
Genome position (GRCh38, 1-based): chr10:6,025,900, A>G on the plus strand (T>C on the coding strand, the complement: IL2RA is on the minus strand). VCF-style: chr10-6025900-A-G. GRCh37 (hg19) VCF-style: chr10-6067863-A-G.
Other names: c.190T>C, p.Tyr64His (NM_001308242.2, NM_001308243.2); short protein forms Y64H.
Identifiers: ClinVar variation 1971963 (VCV001971963.2), dbSNP rs1397929277, ClinGen allele CA375930326.
Genomic context (GRCh38, chr10:6,025,900, plus strand): 5'-TTGTGCATTGACATTGGTTGTCCCAGGACGAGTGGCTAGAGTTTCCTGTACAGAGCATAT[A>G]GAGTGACCCGCTTTTTATTCTGCGGAAACCTCTCTTGCATTCACAGTTCAACATGGTTCC-3'
Protein context (NP_000408.1, residues 54-74): GFRRIKSGSL[Tyr64His]MLCTGNSSHS